The following is an entry in ClinVar:

ClinVar aggregate classification (germline): Uncertain significance (1 of 4 stars; one submission).

gnomAD v4.1: 2 of 1,614,180 alleles (0.00012%); highest among the groups gnomAD compares: Non-Finnish European, 0.00017%; no homozygotes.

Submission:

Labcorp Genetics (formerly Invitae), Labcorp
Classification: Uncertain significance. Last evaluated: 2022-02-05. Review status: criteria provided, single submitter. Criteria: Invitae Variant Classification Sherloc (09022015). Collection method: clinical testing. Allele origin: germline.
Comment: This variant is not present in population databases (gnomAD no frequency). In summary, the available evidence is currently insufficient to determine the role of this variant in disease. Therefore, it has been classified as a Variant of Uncertain Significance. Algorithms developed to predict the effect of missense changes on protein structure and function output the following: SIFT: "Not Available"; PolyPhen-2: "Benign"; Align-GVGD: "Not Available". The cysteine amino acid residue is found in multiple mammalian species, which suggests that this missense change does not adversely affect protein function. This variant has not been reported in the literature in individuals affected with JAK1-related conditions. This sequence change replaces glycine, which is neutral and non-polar, with cysteine, which is neutral and slightly polar, at codon 307 of the JAK1 protein (p.Gly307Cys).

NM_002227.4(JAK1):c.919G>T (p.Gly307Cys)

Gene: JAK1 (Janus kinase 1; minus strand). Cytogenetic location: 1p31.3.
Variant type: single nucleotide variant.
Coding change: c.919G>T on transcript NM_002227.4 (MANE Select); coding-DNA position 919, G replaced by T.
Protein change: p.Gly307Cys; replaces glycine 307 with cysteine.
Molecular consequence: missense variant.
Genome position (GRCh38, 1-based): chr1:64,866,937, C>A on the plus strand (G>T on the coding strand, the complement: JAK1 is on the minus strand). VCF-style: chr1-64866937-C-A. GRCh37 (hg19) VCF-style: chr1-65332620-C-A.
Other names: c.919G>T, p.Gly307Cys (NM_001320923.2, NM_001321852.2, NM_001321853.2 and 4 more transcripts); short protein forms G307C.
Identifiers: ClinVar variation 1470077 (VCV001470077.8), dbSNP rs373142876, ClinGen allele CA340674966.